The following is an entry in ClinVar:

NM_004815.4(ARHGAP29):c.905A>T (p.Lys302Ile)

Gene: ARHGAP29 (Rho GTPase activating protein 29; minus strand). Cytogenetic location: 1p22.1.
Variant type: single nucleotide variant.
Coding change: c.905A>T on transcript NM_004815.4 (MANE Select); coding-DNA position 905, A replaced by T.
Protein change: p.Lys302Ile; replaces lysine 302 with isoleucine.
Molecular consequence: missense variant.
Genome position (GRCh38, 1-based): chr1:94,202,967, T>A on the plus strand (A>T on the coding strand, the complement: ARHGAP29 is on the minus strand). VCF-style: chr1-94202967-T-A. GRCh37 (hg19) VCF-style: chr1-94668523-T-A.
Other names: c.905A>T, p.Lys302Ile (NM_001328664.2, NM_001328666.2); c.713A>T, p.Lys238Ile (NM_001328665.2, NM_001328667.2); short protein forms K238I, K302I.
Identifiers: ClinVar variation 4978702 (VCV004978702.1).
Genomic context (GRCh38, chr1:94,202,967, plus strand): 5'-TTAATACTAACCATTTTATTTTGCTCCTGTTTCCAAAGCTCTTTTATTTCTTTCCTTTGT[T>A]TTTCCATTTCATTTTTCCTTCCAAGTAGAGGCTGTGAAAGGTATTTAAAATGGAAAAAGA-3'
Protein context (NP_004806.3, residues 292-312): PLLGRKNEME[Lys302Ile]QRKEIKELWK

ClinVar aggregate classification (germline): Uncertain significance (1 of 4 stars; one submission).

Conditions:
ARHGAP29-related disorder. Also called: ARHGAP29-Related Disorders; ARHGAP29-related condition.

gnomAD v4.1: 6 of 1,609,426 alleles (0.00037%); highest among the groups gnomAD compares: East Asian, 0.0022%; no homozygotes.

Submission:

PreventionGenetics, part of Exact Sciences
Classification: Uncertain significance for ARHGAP29-related condition. Last evaluated: 2025-09-24. Review status: criteria provided, single submitter. Criteria: ACMG Guidelines, 2015. Collection method: clinical testing. Allele origin: germline.
Comment: The ARHGAP29 c.905A>T variant is predicted to result in the amino acid substitution p.Lys302Ile. To our knowledge, this variant has not been reported in the literature. This variant is reported in 0.0051% of alleles in individuals of East Asian descent in gnomAD. At this time, the clinical significance of this variant is uncertain due to the absence of conclusive functional and genetic evidence.